The following is an entry in ClinVar:

NM_000093.5(COL5A1):c.3451C>A (p.Pro1151Thr)

Gene: COL5A1 (collagen type V alpha 1 chain; plus strand). Cytogenetic location: 9q34.3.
Variant type: single nucleotide variant.
Coding change: c.3451C>A on transcript NM_000093.5 (MANE Select); coding-DNA position 3451, C replaced by A.
Protein change: p.Pro1151Thr; replaces proline 1151 with threonine.
Molecular consequence: missense variant.
Genome position (GRCh38, 1-based): chr9:134,809,267, C>A. VCF-style: chr9-134809267-C-A. GRCh37 (hg19) VCF-style: chr9-137701113-C-A.
Other names: c.3451C>A, p.Pro1151Thr (NM_001278074.1); short protein forms P1151T.
Identifiers: ClinVar variation 4702246 (VCV004702246.1).

ClinVar aggregate classification (germline): Uncertain significance (1 of 4 stars; one submission).

Conditions:
Ehlers-Danlos syndrome, classic type, 1 (EDSCL1). Also called: EHLERS-DANLOS SYNDROME, GRAVIS TYPE; EHLERS-DANLOS SYNDROME, SEVERE CLASSIC TYPE; Ehlers-Danlos syndrome, type 1; Ehlers-Danlos Syndrome, Classic Type, COL5A1-Related; EDS I. Identifiers: MedGen C0268335, MONDO:0019567, OMIM 130000.

gnomAD v4.1: 9 of 1,608,812 alleles (0.00056%); highest among the groups gnomAD compares: South Asian, 0.0022%; no homozygotes.

Submission:

Labcorp Genetics (formerly Invitae), Labcorp
Classification: Uncertain significance for Ehlers-Danlos syndrome, classic type, 1. Last evaluated: 2025-09-19. Review status: criteria provided, single submitter. Criteria: Invitae Variant Classification Sherloc (09022015). Collection method: clinical testing. Allele origin: germline.
Comment: This sequence change replaces proline, which is neutral and non-polar, with threonine, which is neutral and polar, at codon 1151 of the COL5A1 protein (p.Pro1151Thr). This variant is not present in population databases (gnomAD no frequency). This variant has not been reported in the literature in individuals affected with COL5A1-related conditions. Invitae Evidence Modeling of protein sequence and biophysical properties (such as structural, functional, and spatial information, amino acid conservation, physicochemical variation, residue mobility, and thermodynamic stability) indicates that this missense variant is not expected to disrupt COL5A1 protein function with a negative predictive value of 95%. In summary, the available evidence is currently insufficient to determine the role of this variant in disease. Therefore, it has been classified as a Variant of Uncertain Significance.